The following is an entry in ClinVar:

NM_001540.5(HSPB1):c.380G>T (p.Arg127Leu)

Gene: HSPB1 (heat shock protein family B (small) member 1; plus strand). Cytogenetic location: 7q11.23.
Variant type: single nucleotide variant.
Coding change: c.380G>T on transcript NM_001540.5 (MANE Select); coding-DNA position 380, G replaced by T.
Protein change: p.Arg127Leu; replaces arginine 127 with leucine.
Molecular consequence: missense variant.
Genome position (GRCh38, 1-based): chr7:76,303,817, G>T. VCF-style: chr7-76303817-G-T. GRCh37 (hg19) VCF-style: chr7-75933134-G-T.
Other names: c.380G>T (LRG_248t1); short protein forms R127L.
Identifiers: ClinVar variation 157529 (VCV000157529.13), dbSNP rs587781250, ClinGen allele CA270935.
Genomic context (GRCh38, chr7:76,303,817, plus strand): 5'-GGCAGTCCCCTCCCCCGCAGTCTGATTTCCCTCTTCCCCCCAAAGGCAAGCACGAGGAGC[G>T]GCAGGACGAGCATGGCTACATCTCCCGGTGCTTCACGCGGAAATACACGTGAGTCCTGGC-3'
Protein context (NP_001531.1, residues 117-137): VVEITGKHEE[Arg127Leu]QDEHGYISRC

ClinVar aggregate classification (germline): Pathogenic/Likely pathogenic. Review status: criteria provided, multiple submitters, no conflicts (2 of 4 stars). 4 submissions from 4 submitters: Pathogenic (2); Likely pathogenic (1). 1 of the submissions does not count toward it. Last evaluated 2024-05-17.

Conditions:
HSPB1-related disorder. Also called: HSPB1-related disorders; HSPB1-related condition.
Charcot-Marie-Tooth disease. Also called: Charcot-Marie-Tooth Hereditary Neuropathy; Charcot-Marie-Tooth Neuropathy. Identifiers: Orphanet 166, MedGen C0007959, MONDO:0015626.
Charcot-Marie-Tooth disease axonal type 2F (CMT2F). Also called: Charcot-Marie-Tooth Neuropathy Type 2F; CHARCOT-MARIE-TOOTH DISEASE, NEURONAL, TYPE 2F. Identifiers: Orphanet 99940, MedGen C1847823, MONDO:0011687, OMIM 606595.

Allele frequency attached by ClinVar (database versions not stated): gnomAD exomes below 0.00001; ExAC 0.00001; gnomAD 0.00003.
gnomAD v4.1: 6 of 1,610,728 alleles (0.00037%); highest among the groups gnomAD compares: Non-Finnish European, 0.00025%; no homozygotes.

Submissions (4):

Blueprint Genetics
Classification: Pathogenic for HSPB1-related disorders. Last evaluated: 2024-05-17. Review status: criteria provided, single submitter. Criteria: ACMG Guidelines, 2015. Collection method: clinical testing. Allele origin: germline. Affected: yes. Observed: 4 variant alleles.

Labcorp Genetics (formerly Invitae), Labcorp
Classification: Pathogenic for Charcot-Marie-Tooth disease axonal type 2F. Last evaluated: 2019-11-25. Review status: criteria provided, single submitter. Criteria: Invitae Variant Classification Sherloc (09022015). Collection method: clinical testing. Allele origin: germline.
Comment: For these reasons, this variant has been classified as Pathogenic. This variant disrupts the p.Arg127 amino acid residue in HSPB1. Other variant(s) that disrupt this residue have been determined to be pathogenic (PMID: 15122254, 16215937, 20178975, 20660910, 21983720, 22031878, 23728742). This suggests that this residue is clinically significant, and that variants that disrupt this residue are likely to be disease-causing. This variant has been reported to affect HSPB1 protein function (PMID: 26675522). This variant has been observed in individual(s) with clinical features of Charcot-Marie-Tooth disease (PMID: 25025039, 26675522). It has also been observed to segregate with disease in related individuals. ClinVar contains an entry for this variant (Variation ID: 157529). This variant is present in population databases (rs587781250, ExAC 0.002%). This sequence change replaces arginine with leucine at codon 127 of the HSPB1 protein (p.Arg127Leu). The arginine residue is moderately conserved and there is a moderate physicochemical difference between arginine and leucine.

Molecular Genetics Laboratory, London Health Sciences Centre
Classification: Likely pathogenic for Charcot-Marie-Tooth disease. Review status: criteria provided, single submitter. Criteria: ACMG Guidelines, 2015. Collection method: clinical testing. Allele origin: germline. Affected: yes.

Dept. of Medical Genetics, Telemark Hospital Trust, Telemark Hospital Trust
Classification: Pathogenic for Charcot-Marie-Tooth disease. Last evaluated: 2013-11-01. Review status: no assertion criteria provided. Collection method: research. Allele origin: inherited. Affected: yes. Study: Charcot-Marie-Tooth disease study. Not counted in ClinVar's aggregate classification.
Comment: Populational based study of Charcot-Marie-Tooth disease in Norway

Literature cited by the submitters: PubMed 15122254 (cited by Labcorp Genetics (formerly Invitae), Labcorp and Dept. of Medical Genetics, Telemark Hospital Trust, Telemark Hospital Trust); PubMed 16215937 (cited by Labcorp Genetics (formerly Invitae), Labcorp); PubMed 20178975 (cited by Labcorp Genetics (formerly Invitae), Labcorp and Dept. of Medical Genetics, Telemark Hospital Trust, Telemark Hospital Trust); PubMed 20660910 (cited by Labcorp Genetics (formerly Invitae), Labcorp and Dept. of Medical Genetics, Telemark Hospital Trust, Telemark Hospital Trust); PubMed 21983720 (cited by Labcorp Genetics (formerly Invitae), Labcorp); PubMed 22031878 (cited by Labcorp Genetics (formerly Invitae), Labcorp and Dept. of Medical Genetics, Telemark Hospital Trust, Telemark Hospital Trust); PubMed 23728742 (cited by Labcorp Genetics (formerly Invitae), Labcorp); PubMed 26675522 (cited by Labcorp Genetics (formerly Invitae), Labcorp); PubMed 25025039 (cited by Labcorp Genetics (formerly Invitae), Labcorp and Dept. of Medical Genetics, Telemark Hospital Trust, Telemark Hospital Trust); PMC 4306395 (cited by Dept. of Medical Genetics, Telemark Hospital Trust, Telemark Hospital Trust).